The following is an entry in ClinVar:

NM_020778.5(ALPK3):c.-27G>C

Gene: ALPK3 (alpha kinase 3; plus strand). Cytogenetic location: 15q25.3.
Variant type: single nucleotide variant.
Coding change: c.-27G>C on transcript NM_020778.5 (MANE Select); 27 bases upstream of the start codon, G replaced by C.
Molecular consequence: 5 prime UTR variant.
Genome position (GRCh38, 1-based): chr15:84,817,426, G>C. VCF-style: chr15-84817426-G-C. GRCh37 (hg19) VCF-style: chr15-85360657-G-C.
Identifiers: ClinVar variation 1749838 (VCV001749838.3), dbSNP rs2505689037, ClinGen allele CA393369204.

ClinVar aggregate classification (germline): Uncertain significance. Review status: criteria provided, multiple submitters, no conflicts (2 of 4 stars). 2 submissions from 2 submitters: Uncertain significance (2). Last evaluated 2021-09-17.

Conditions:
Cardiovascular phenotype. Identifiers: MedGen CN230736.

Allele frequency attached by ClinVar (database versions not stated): gnomAD exomes below 0.00001.

Submissions (2):

Ambry Genetics
Classification: Uncertain significance for Cardiovascular phenotype. Last evaluated: 2021-09-17. Review status: criteria provided, single submitter. Criteria: Ambry Variant Classification Scheme 2023. Collection method: clinical testing. Allele origin: germline.
Comment: The p.G194R variant (also known as c.580G>C), located in coding exon 1 of the ALPK3 gene, results from a G to C substitution at nucleotide position 580. The glycine at codon 194 is replaced by arginine, an amino acid with dissimilar properties. This amino acid position is conserved. In addition, this alteration is predicted to be tolerated by in silico analysis. Since supporting evidence is limited at this time, the clinical significance of this alteration remains unclear.

Blueprint Genetics
Classification: Uncertain significance. Last evaluated: 2021-06-30. Review status: criteria provided, single submitter. Criteria: ACMG Guidelines, 2015. Collection method: clinical testing. Allele origin: germline.